The following is an entry in ClinVar:

NM_006514.4(SCN10A):c.4141G>A (p.Glu1381Lys)

Gene: SCN10A (sodium voltage-gated channel alpha subunit 10; minus strand). Cytogenetic location: 3p22.2.
Variant type: single nucleotide variant.
Coding change: c.4141G>A on transcript NM_006514.4 (MANE Select); coding-DNA position 4141, G replaced by A.
Protein change: p.Glu1381Lys; replaces glutamic acid 1381 with lysine.
Molecular consequence: missense variant.
Genome position (GRCh38, 1-based): chr3:38,710,846, C>T on the plus strand (G>A on the coding strand, the complement: SCN10A is on the minus strand). VCF-style: chr3-38710846-C-T. GRCh37 (hg19) VCF-style: chr3-38752337-C-T.
Other names: c.4138G>A, p.Glu1380Lys (NM_001293306.2); c.3847G>A, p.Glu1283Lys (NM_001293307.2); short protein forms E1283K, E1380K, E1381K.
Identifiers: ClinVar variation 1423756 (VCV001423756.3), dbSNP rs1447191624, ClinGen allele CA352150117.
Genomic context (GRCh38, chr3:38,710,846, plus strand): 5'-CTGATATGGGTAGAATGCACAGAGGGGAAGGCTGTAGGGACAGTGGGCTGAGACTCACCT[C>T]CCGGGAATCAACAGCTGCATACATAATGTCCATCCAGCCTTTAAAGGTTGCCTGGAGACA-3'
Protein context (NP_006505.4, residues 1371-1391): DIMYAAVDSR[Glu1381Lys]VNMQPKWEDN

ClinVar aggregate classification (germline): Uncertain significance (1 of 4 stars; one submission).

Conditions:
Brugada syndrome. Also called: Sudden unexpected nocturnal death syndrome; Sudden Unexplained Death Syndrome; Sudden Unexplained Nocturnal Death Syndrome (SUNDS); Sudden unexplained nocturnal death syndrome. Identifiers: Orphanet 130, MedGen C1142166, MONDO:0015263.

Allele frequency attached by ClinVar (database versions not stated): gnomAD 0.00001; gnomAD exomes below 0.00001.
gnomAD v4.1: 5 of 1,613,362 alleles (0.00031%); highest among the groups gnomAD compares: Admixed American, 0.0017%; no homozygotes.

Submission:

Labcorp Genetics (formerly Invitae), Labcorp
Classification: Uncertain significance for Brugada syndrome. Last evaluated: 2021-10-31. Review status: criteria provided, single submitter. Criteria: Invitae Variant Classification Sherloc (09022015). Collection method: clinical testing. Allele origin: germline.
Comment: This sequence change replaces glutamic acid, which is acidic and polar, with lysine, which is basic and polar, at codon 1381 of the SCN10A protein (p.Glu1381Lys). This variant is not present in population databases (gnomAD no frequency). This variant has not been reported in the literature in individuals affected with SCN10A-related conditions. Algorithms developed to predict the effect of missense changes on protein structure and function output the following: SIFT: "Tolerated"; PolyPhen-2: "Benign"; Align-GVGD: "Class C0". The lysine amino acid residue is found in multiple mammalian species, which suggests that this missense change does not adversely affect protein function. In summary, the available evidence is currently insufficient to determine the role of this variant in disease. Therefore, it has been classified as a Variant of Uncertain Significance.